The following is an entry in ClinVar:

ClinVar aggregate classification (germline): Uncertain significance. Review status: criteria provided, multiple submitters, no conflicts (2 of 4 stars). 2 submissions from 2 submitters: Uncertain significance (2). Last evaluated 2025-05-12.

Conditions:
Developmental delay with variable intellectual disability and dysmorphic facies. Identifiers: MedGen C5774242, MONDO:0859306, OMIM 620098.
Inborn genetic diseases. Identifiers: MedGen C0950123, MeSH D030342.

gnomAD v4.1: 1 of 1,613,966 alleles (0.000062%); highest among the groups gnomAD compares: Non-Finnish European, 0.000085%; no homozygotes.

Submissions (2):

Clinical Genomics Laboratory, Washington University in St. Louis
Classification: Uncertain significance for Developmental delay with variable intellectual disability and dysmorphic facies. Last evaluated: 2025-05-12. Review status: criteria provided, single submitter. Criteria: ACMG Guidelines, 2015. Collection method: clinical testing. Allele origin: germline.
Comment: The JARID2 c.511A>G (p.Asn171Asp) variant, to our knowledge, has not been reported in the medical literature. This variant has been reported in the ClinVar database as a germline variant of uncertain significance by one submitter. This variant is absent from the general population (gnomAD v.2.1.1), indicating it is not a common variant. Computational predictors suggest that the variant does not impact the JARID2 function. Due to limited information, and based on ACMG/AMP guidelines for variant interpretation (Richards S et al., PMID: 25741868), the clinical significance of this variant is uncertain at this time.

Ambry Genetics
Classification: Uncertain significance for Inborn genetic diseases. Last evaluated: 2024-10-25. Review status: criteria provided, single submitter. Criteria: Ambry Variant Classification Scheme 2023. Collection method: clinical testing. Allele origin: germline.

NM_004973.4(JARID2):c.511A>G (p.Asn171Asp)

Gene: JARID2 (jumonji and AT-rich interaction domain containing 2; plus strand). Cytogenetic location: 6p22.3.
Variant type: single nucleotide variant.
Coding change: c.511A>G on transcript NM_004973.4 (MANE Select); coding-DNA position 511, A replaced by G.
Protein change: p.Asn171Asp; replaces asparagine 171 with aspartic acid.
Molecular consequence: missense variant. On other transcripts: 5 prime UTR variant (1).
Genome position (GRCh38, 1-based): chr6:15,468,559, A>G. VCF-style: chr6-15468559-A-G. GRCh37 (hg19) VCF-style: chr6-15468790-A-G.
Other names: c.-6A>G (NM_001267040.1); short protein forms N171D.
Identifiers: ClinVar variation 3531331 (VCV003531331.2).